The following is an entry in ClinVar:

ClinVar aggregate classification (germline): Uncertain significance (0 of 4 stars; one submission).

Conditions:
FOXF1-related disorder. Also called: FOXF1-related condition.

Submission:

PreventionGenetics, part of Exact Sciences
Classification: Uncertain significance for FOXF1-related condition. Last evaluated: 2024-03-05. Review status: no assertion criteria provided. Collection method: clinical testing. Allele origin: germline.
Comment: The FOXF1 c.257G>A variant is predicted to result in the amino acid substitution p.Arg86Gln. To our knowledge, this variant has not been reported in the literature or in a large population database, indicating this variant is rare. At this time, the clinical significance of this variant is uncertain due to the absence of conclusive functional and genetic evidence.

NM_001451.3(FOXF1):c.257G>A (p.Arg86Gln)

Gene: FOXF1 (forkhead box F1; plus strand). Cytogenetic location: 16q24.1.
Variant type: single nucleotide variant.
Coding change: c.257G>A on transcript NM_001451.3 (MANE Select); coding-DNA position 257, G replaced by A.
Protein change: p.Arg86Gln; replaces arginine 86 with glutamine.
Molecular consequence: missense variant.
Genome position (GRCh38, 1-based): chr16:86,510,826, G>A. VCF-style: chr16-86510826-G-A. GRCh37 (hg19) VCF-style: chr16-86544432-G-A.
Other names: short protein forms R86Q.
Identifiers: ClinVar variation 3349569 (VCV003349569.1).
Genomic context (GRCh38, chr16:86,510,826, plus strand): 5'-CCAAGCGCCTGACGCTGAGCGAGATCTACCAGTTCCTGCAGAGCCGCTTCCCCTTCTTCC[G>A]GGGCTCCTACCAGGGCTGGAAGAACTCCGTGCGCCACAACCTCTCGCTCAACGAGTGCTT-3'
Protein context (NP_001442.2, residues 76-96): QFLQSRFPFF[Arg86Gln]GSYQGWKNSV